The following is an entry in ClinVar:

NM_001278716.2(FBXL4):c.858+1G>T

Gene: FBXL4 (F-box and leucine rich repeat protein 4; minus strand). Cytogenetic location: 6q16.2.
Variant type: single nucleotide variant.
Coding change: c.858+1G>T on transcript NM_001278716.2 (MANE Select); the canonical splice donor site of the intron after coding-DNA position 858, G replaced by T.
Molecular consequence: splice donor variant.
Genome position (GRCh38, 1-based): chr6:98,917,373, C>A on the plus strand (G>T on the coding strand, the complement: FBXL4 is on the minus strand). VCF-style: chr6-98917373-C-A. GRCh37 (hg19) VCF-style: chr6-99365249-C-A.
Other names: c.858+1G>T (NM_012160.5).
Identifiers: ClinVar variation 437502 (VCV000437502.1), dbSNP rs1394080480, ClinGen allele CA16021032.

ClinVar aggregate classification (germline): Pathogenic (1 of 4 stars; one submission).

Conditions:
Mitochondrial DNA depletion syndrome 13. Also called: FBXL4-Related Encephalomyopathic Mitochondrial DNA Depletion Syndrome; Mitochondrial DNA depletion syndrome 13 (encephalomyopathic type). Identifiers: Orphanet 369897, MedGen C3809592, MONDO:0014198, OMIM 615471.

gnomAD v4.1: 1 of 1,585,588 alleles (0.000063%); highest among the groups gnomAD compares: Non-Finnish European, 0.000086%; no homozygotes.

Submission:

Wong Mito Lab, Molecular and Human Genetics, Baylor College of Medicine
Classification: Pathogenic for Mitochondrial DNA depletion syndrome 13. Last evaluated: 2017-08-10. Review status: criteria provided, single submitter. Criteria: ACMG Guidelines, 2015. Collection method: clinical testing. Allele origin: germline. Affected: yes.
Comment: The NM_012160.4:c.858+1G>T (NP_036292.2:p.=) [GRCH38: NC_000006.12:g.98917373C>A] variant in FBXL4 gene is interpretated to be a Pathogenic based on ACMG guidelines (PMID: 25741868). This variant has been reported in PMID:27290639 . This variant meets one or more of the following evidence codes reported in the ACMG-guideline. PVS1:This variant is a predcted null variant in FBXL4 where loss of function is a known mechanism of disease. PM2:This variant is absent in key population databases. PM3:Detected in trans with a pathogenic variant for Mitochondrial DNA depletion syndrome 13 which is a recessive disorder. PP4:Patientâ€™s phenotype or family history is highly specific for FBXL4. PP5:Reputable source(s) suggest that the variant is pathogenic. Based on this evidence code ClinGen Pathogenicity Calculator (PMID:28081714) suggested that the variant is Pathogenic.

Literature cited by the submitters: PubMed 27290639.